The following is an entry in ClinVar:

ClinVar aggregate classification (germline): Uncertain significance (1 of 4 stars; one submission).

Allele frequency attached by ClinVar (database versions not stated): gnomAD exomes below 0.00001.
gnomAD v4.1: 1 of 1,614,080 alleles (0.000062%); highest among the groups gnomAD compares: East Asian, 0.0022%; no homozygotes.

Submission:

GeneDx
Classification: Uncertain significance. Last evaluated: 2016-06-27. Review status: criteria provided, single submitter. Criteria: GeneDx Variant Classification (06012015). Collection method: clinical testing. Allele origin: germline. Affected: yes.
Comment: This variant is denoted BRCA2 c.9502-7T>A or IVS25-7T>A and consists of a T>A nucleotide substitution at the -7 position of intron 25 of the BRCA2 gene. Using alternate nomenclature, this variant would be defined as BRCA2 9730-7T>A. Multiple in silico models predict this variant to weaken the nearby natural acceptor site and to possibly cause abnormal gene splicing; however, in the absence of RNA or functional studies, the actual effect of this variant is unknown. This variant has not, to our knowledge, been published in the literature as pathogenic or benign. BRCA2 c.9502-7T>A was not observed in approximately 6,500 individuals of European and African American ancestry in the NHLBI Exome Sequencing Project, suggesting it is not a common benign variant in these populations. The thymine (T) nucleotide that is altered is not conserved across species. Based on currently available information, it is unclear whether BRCA2 c.9502-7T>A is pathogenic or benign. We consider it to be a variant of uncertain significance.

NM_000059.4(BRCA2):c.9502-7T>A

Gene: BRCA2 (BRCA2 DNA repair associated; plus strand). Cytogenetic location: 13q13.1.
Variant type: single nucleotide variant.
Coding change: c.9502-7T>A on transcript NM_000059.4 (MANE Select); 7 bases into the intron before coding-DNA position 9502, T replaced by A.
Molecular consequence: intron variant.
Genome position (GRCh38, 1-based): chr13:32,396,891, T>A. VCF-style: chr13-32396891-T-A. GRCh37 (hg19) VCF-style: chr13-32971028-T-A.
Identifiers: ClinVar variation 421554 (VCV000421554.2), dbSNP rs1064795209, ClinGen allele CA16619792.